The following is an entry in ClinVar:

NM_006940.6(SOX5):c.351dup (p.Arg118fs)

Gene: SOX5 (SRY-box transcription factor 5; minus strand). Cytogenetic location: 12p12.1.
Variant type: Duplication.
Coding change: c.351dup on transcript NM_006940.6 (MANE Select); coding-DNA position 351, one base duplicated (G; older notation c.351dupG).
Protein change: p.Arg118fs; shifts the reading frame from arginine 118.
Molecular consequence: frameshift variant.
Genome position (GRCh38, 1-based): chr12:23,846,113, C duplicated on the plus strand (G on the coding strand, the reverse complement: SOX5 is on the minus strand); the first of 3 consecutive C bases (chr12:23,846,113-23,846,115); duplicating any one gives the same sequence. VCF-style (leftmost placement, unchanged base first): chr12-23846112-G-GC. GRCh37 (hg19) VCF-style: chr12-23999046-G-GC.
Other names: c.312dup, p.Arg105fs (NM_001261414.3, NM_152989.5); c.321dup, p.Arg108fs (NM_001261415.3); c.246dup, p.Arg83fs (NM_001330785.2); short protein forms R105fs, R108fs, R118fs, R83fs.
Identifiers: ClinVar variation 4085273 (VCV004085273.8).

ClinVar aggregate classification (germline): Pathogenic (1 of 4 stars; one submission).

Submission:

CeGaT Center for Human Genetics Tuebingen
Classification: Pathogenic. Last evaluated: 2025-06-01. Review status: criteria provided, single submitter. Criteria: CeGaT Center For Human Genetics Tuebingen Variant Classification Criteria Version 2. Collection method: clinical testing. Allele origin: germline. Affected: yes. Observed: 1 variant allele.
Comment: SOX5: PVS1, PM2